The following is an entry in ClinVar:

NM_000135.4(FANCA):c.500G>A (p.Cys167Tyr)

Gene: FANCA (FA complementation group A; minus strand). Cytogenetic location: 16q24.3.
Variant type: single nucleotide variant.
Coding change: c.500G>A on transcript NM_000135.4 (MANE Select); coding-DNA position 500, G replaced by A.
Protein change: p.Cys167Tyr; replaces cysteine 167 with tyrosine.
Molecular consequence: missense variant. On other transcripts: intron variant (1).
Genome position (GRCh38, 1-based): chr16:89,810,729, C>T on the plus strand (G>A on the coding strand, the complement: FANCA is on the minus strand). VCF-style: chr16-89810729-C-T. GRCh37 (hg19) VCF-style: chr16-89877137-C-T.
Other names: c.500G>A, p.Cys167Tyr (NM_001018112.3, NM_001286167.3); c.426+200G>A (NM_001351830.2); c.500G>A (NM_000135.2); short protein forms C167Y.
Identifiers: ClinVar variation 1477280 (VCV001477280.6), dbSNP rs1257428184, ClinGen allele CA397480687.

ClinVar aggregate classification (germline): Uncertain significance. Review status: criteria provided, multiple submitters, no conflicts (2 of 4 stars). 2 submissions from 2 submitters: Uncertain significance (2). Last evaluated 2025-03-05.

Conditions:
Inborn genetic diseases. Identifiers: MedGen C0950123, MeSH D030342.
Fanconi anemia (FA). Also called: Fanconi's anemia. Identifiers: Orphanet 84, MedGen C0015625, MeSH D005199, MONDO:0019391.

Allele frequency attached by ClinVar (database versions not stated): TOPMed below 0.00001.

Submissions (2):

Ambry Genetics
Classification: Uncertain significance for Inborn genetic diseases. Last evaluated: 2025-03-05. Review status: criteria provided, single submitter. Criteria: Ambry Variant Classification Scheme 2023. Collection method: clinical testing. Allele origin: germline.
Comment: The p.C167Y variant (also known as c.500G>A), located in coding exon 5 of the FANCA gene, results from a G to A substitution at nucleotide position 500. The cysteine at codon 167 is replaced by tyrosine, an amino acid with highly dissimilar properties. This amino acid position is conserved. In addition, the in silico prediction for this alteration is inconclusive. Based on the available evidence, the clinical significance of this variant remains unclear.

Labcorp Genetics (formerly Invitae), Labcorp
Classification: Uncertain significance for Fanconi anemia. Last evaluated: 2022-04-23. Review status: criteria provided, single submitter. Criteria: Invitae Variant Classification Sherloc (09022015). Collection method: clinical testing. Allele origin: germline.
Comment: This sequence change replaces cysteine, which is neutral and slightly polar, with tyrosine, which is neutral and polar, at codon 167 of the FANCA protein (p.Cys167Tyr). This variant is not present in population databases (gnomAD no frequency). This variant has not been reported in the literature in individuals affected with FANCA-related conditions. Algorithms developed to predict the effect of missense changes on protein structure and function (SIFT, PolyPhen-2, Align-GVGD) all suggest that this variant is likely to be tolerated. In summary, the available evidence is currently insufficient to determine the role of this variant in disease. Therefore, it has been classified as a Variant of Uncertain Significance.